The following is an entry in ClinVar:

ClinVar aggregate classification (germline): Uncertain significance (1 of 4 stars; one submission).

gnomAD v4.1: 3 of 1,610,156 alleles (0.00019%); highest among the groups gnomAD compares: Non-Finnish European, 0.00025%; no homozygotes.

Submission:

Labcorp Genetics (formerly Invitae), Labcorp
Classification: Uncertain significance. Last evaluated: 2022-05-04. Review status: criteria provided, single submitter. Criteria: Invitae Variant Classification Sherloc (09022015). Collection method: clinical testing. Allele origin: germline.
Comment: In summary, the available evidence is currently insufficient to determine the role of this variant in disease. Therefore, it has been classified as a Variant of Uncertain Significance. Algorithms developed to predict the effect of missense changes on protein structure and function are either unavailable or do not agree on the potential impact of this missense change (SIFT: "Deleterious"; PolyPhen-2: "Not Available"; Align-GVGD: "Class C65"). This variant has not been reported in the literature in individuals affected with ACAN-related conditions. This variant is present in population databases (no rsID available, gnomAD 0.0009%). This sequence change replaces arginine, which is basic and polar, with proline, which is neutral and non-polar, at codon 633 of the ACAN protein (p.Arg633Pro).

NM_001369268.1(ACAN):c.1898G>C (p.Arg633Pro)

Gene: ACAN (aggrecan; plus strand). Cytogenetic location: 15q26.1.
Variant type: single nucleotide variant.
Coding change: c.1898G>C on transcript NM_001369268.1 (MANE Select); coding-DNA position 1898, G replaced by C.
Protein change: p.Arg633Pro; replaces arginine 633 with proline.
Molecular consequence: missense variant.
Genome position (GRCh38, 1-based): chr15:88,849,603, G>C. VCF-style: chr15-88849603-G-C. GRCh37 (hg19) VCF-style: chr15-89392834-G-C.
Other names: c.1898G>C, p.Arg633Pro (NM_001135.4, NM_001411096.1, NM_001411097.1 and 1 more transcripts); short protein forms R633P.
Identifiers: ClinVar variation 1951910 (VCV001951910.5), dbSNP rs35965913, ClinGen allele CA393712091.